The following is an entry in ClinVar:

ClinVar aggregate classification (germline): Uncertain significance (1 of 4 stars; one submission).

Submission:

Women's Health and Genetics/Laboratory Corporation of America, LabCorp
Classification: Uncertain significance. Last evaluated: 2024-08-02. Review status: criteria provided, single submitter. Criteria: LabCorp Variant Classification Summary - May 2015. Collection method: clinical testing. Allele origin: germline.
Comment: Variant summary: SHANK2 c.590G>A (p.Gly197Glu) results in a non-conservative amino acid change in the encoded protein sequence. Five of five in-silico tools predict a damaging effect of the variant on protein function. Consensus agreement among computation tools predict no significant impact on normal splicing. However, these predictions have yet to be confirmed by functional studies. The variant was absent in 156518 control chromosomes. The available data on variant occurrences in the general population are insufficient to allow any conclusion about variant significance. To our knowledge, no occurrence of c.590G>A in individuals affected with Autism, Susceptibility To, 17 and no experimental evidence demonstrating its impact on protein function have been reported. No submitters have cited clinical-significance assessments for this variant to ClinVar. Based on the evidence outlined above, the variant was classified as uncertain significance.

NM_012309.5(SHANK2):c.590G>A (p.Gly197Glu)

Gene: SHANK2 (SH3 and multiple ankyrin repeat domains 2; minus strand). Cytogenetic location: 11q13.4.
Variant type: single nucleotide variant.
Coding change: c.590G>A on transcript NM_012309.5 (MANE Select); coding-DNA position 590, G replaced by A.
Protein change: p.Gly197Glu; replaces glycine 197 with glutamic acid.
Molecular consequence: missense variant.
Genome position (GRCh38, 1-based): chr11:71,109,943, C>T on the plus strand (G>A on the coding strand, the complement: SHANK2 is on the minus strand). VCF-style: chr11-71109943-C-T. GRCh37 (hg19) VCF-style: chr11-70820989-C-T.
Other names: short protein forms G197E.
Identifiers: ClinVar variation 3366538 (VCV003366538.1).